The following is an entry in ClinVar:

ClinVar aggregate classification (germline): Uncertain significance (1 of 4 stars; one submission).

Submission:

Labcorp Genetics (formerly Invitae), Labcorp
Classification: Uncertain significance. Last evaluated: 2017-09-05. Review status: criteria provided, single submitter. Criteria: Invitae Variant Classification Sherloc (09022015). Collection method: clinical testing. Allele origin: germline.
Comment: In summary, the available evidence is currently insufficient to determine the role of this variant in disease. Therefore, it has been classified as a Variant of Uncertain Significance. Algorithms developed to predict the effect of missense changes on protein structure and function do not agree on the potential impact of this missense change (SIFT: "Deleterious"; PolyPhen-2: "Probably Damaging"; Align-GVGD: "Class C15"). This variant has not been reported in the literature in individuals with TPP1-related disease. This variant is not present in population databases (ExAC no frequency). This sequence change replaces phenylalanine with leucine at codon 378 of the TPP1 protein (p.Phe378Leu). The phenylalanine residue is highly conserved and there is a small physicochemical difference between phenylalanine and leucine.

NM_000391.4(TPP1):c.1134C>G (p.Phe378Leu)

Gene: TPP1 (tripeptidyl peptidase 1; minus strand). Cytogenetic location: 11p15.4.
Variant type: single nucleotide variant.
Coding change: c.1134C>G on transcript NM_000391.4 (MANE Select); coding-DNA position 1134, C replaced by G.
Protein change: p.Phe378Leu; replaces phenylalanine 378 with leucine.
Molecular consequence: missense variant.
Genome position (GRCh38, 1-based): chr11:6,616,016, G>C on the plus strand (C>G on the coding strand, the complement: TPP1 is on the minus strand). VCF-style: chr11-6616016-G-C. GRCh37 (hg19) VCF-style: chr11-6637247-G-C.
Other names: short protein forms F378L.
Identifiers: ClinVar variation 527734 (VCV000527734.9), dbSNP rs1554901719, ClinGen allele CA379473672.